The following is an entry in ClinVar:

NM_006767.4(LZTR1):c.1300G>A (p.Gly434Arg)

Gene: LZTR1 (leucine zipper like post translational regulator 1; plus strand). Cytogenetic location: 22q11.21.
Variant type: single nucleotide variant.
Coding change: c.1300G>A on transcript NM_006767.4 (MANE Select); coding-DNA position 1300, G replaced by A.
Protein change: p.Gly434Arg; replaces glycine 434 with arginine.
Molecular consequence: missense variant.
Genome position (GRCh38, 1-based): chr22:20,993,701, G>A. VCF-style: chr22-20993701-G-A. GRCh37 (hg19) VCF-style: chr22-21347990-G-A.
Other names: short protein forms G434R.
Identifiers: ClinVar variation 1769402 (VCV001769402.12), dbSNP rs749506086, ClinGen allele CA10118807.

ClinVar aggregate classification (germline): Uncertain significance. Review status: criteria provided, multiple submitters, no conflicts (2 of 4 stars). 3 submissions from 3 submitters: Uncertain significance (3). Last evaluated 2026-03-24.

Conditions:
Cardiovascular phenotype. Identifiers: MedGen CN230736.
Hereditary cancer-predisposing syndrome. Also called: Neoplastic Syndromes, Hereditary; Tumor predisposition; Hereditary Cancer Syndrome; Hereditary neoplastic syndrome. Identifiers: Orphanet 140162, MedGen C0027672, MeSH D009386, MONDO:0015356.

Allele frequency attached by ClinVar (database versions not stated): gnomAD 0.00001.
gnomAD v4.1: 28 of 1,613,476 alleles (0.0017%); highest among the groups gnomAD compares: South Asian, 0.022%; no homozygotes.

Submissions (3):

Ambry Genetics
Classification: Uncertain significance for Cardiovascular phenotype; Hereditary cancer-predisposing syndrome. Last evaluated: 2026-03-24. Review status: criteria provided, single submitter. Criteria: Ambry Variant Classification Scheme 2023. Collection method: clinical testing. Allele origin: germline.
Comment: The c.1300G>A (p.G434R) alteration is located in exon 12 (coding exon 12) of the LZTR1 gene. This alteration results from a G to A substitution at nucleotide position 1300, causing the glycine (G) at amino acid position 434 to be replaced by an arginine (R). Based on data from gnomAD, the A allele has an overall frequency of 0.004% (11/249026) total alleles studied. The highest observed frequency was 0.033% (10/30598) of South Asian alleles. This alteration is predicted to be deleterious by in silico analysis. Based on insufficient or conflicting evidence, the clinical significance of this alteration remains unclear.

Labcorp Genetics (formerly Invitae), Labcorp
Classification: Uncertain significance. Last evaluated: 2025-01-14. Review status: criteria provided, single submitter. Criteria: Invitae Variant Classification Sherloc (09022015). Collection method: clinical testing. Allele origin: germline.
Comment: This sequence change replaces glycine, which is neutral and non-polar, with arginine, which is basic and polar, at codon 434 of the LZTR1 protein (p.Gly434Arg). This variant is present in population databases (rs749506086, gnomAD 0.03%). This variant has not been reported in the literature in individuals affected with LZTR1-related conditions. ClinVar contains an entry for this variant (Variation ID: 1769402). Invitae Evidence Modeling of protein sequence and biophysical properties (such as structural, functional, and spatial information, amino acid conservation, physicochemical variation, residue mobility, and thermodynamic stability) indicates that this missense variant is not expected to disrupt LZTR1 protein function with a negative predictive value of 80%. In summary, the available evidence is currently insufficient to determine the role of this variant in disease. Therefore, it has been classified as a Variant of Uncertain Significance.

GeneDx
Classification: Uncertain significance. Last evaluated: 2023-02-17. Review status: criteria provided, single submitter. Criteria: GeneDx Variant Classification Process June 2021. Collection method: clinical testing. Allele origin: germline. Affected: yes.
Comment: In silico analysis supports that this missense variant has a deleterious effect on protein structure/function; Has not been previously published as pathogenic or benign to our knowledge